The following is an entry in ClinVar:

NM_001267550.2(TTN):c.23429A>G (p.Asp7810Gly)

Gene: TTN (titin; minus strand). Cytogenetic location: 2q31.2.
Variant type: single nucleotide variant.
Coding change: c.23429A>G on transcript NM_001267550.2 (MANE Select); coding-DNA position 23429, A replaced by G.
Protein change: p.Asp7810Gly; replaces aspartic acid 7810 with glycine.
Molecular consequence: missense variant. On other transcripts: intron variant (3).
Genome position (GRCh38, 1-based): chr2:178,720,213, T>C on the plus strand (A>G on the coding strand, the complement: TTN is on the minus strand). VCF-style: chr2-178720213-T-C. GRCh37 (hg19) VCF-style: chr2-179584940-T-C.
Other names: p.D7493G:GAT>GGT; c.22478A>G, p.Asp7493Gly (NM_001256850.1); c.19697A>G, p.Asp6566Gly (NM_133378.4); c.13282+17869A>G (NM_003319.4); c.13858+17869A>G (NM_133437.4); c.13657+17869A>G (NM_133432.3); short protein forms D7493G, D7810G, D6566G.
Identifiers: ClinVar variation 203322 (VCV000203322.2), dbSNP rs375392021, ClinGen allele CA312034.

ClinVar aggregate classification (germline): Uncertain significance (1 of 4 stars; one submission).

Submission:

GeneDx
Classification: Uncertain significance. Last evaluated: 2014-12-04. Review status: criteria provided, single submitter. Criteria: GeneDx Variant Classification (06012015). Collection method: clinical testing. Allele origin: germline. Affected: yes.
Comment: Missense variants in the TTN gene are considered 'unclassified' if they are not previously reported in the literature and do not have >1% frequency in the population to be considered a polymorphism. Research indicates that truncating mutations in the TTN gene are expected to account for approximately 25% of familial and 18% of sporadic idiopathic DCM; however, truncating variants in the TTN gene have been reported in approximately 3% of reported control alleles. There has been little investigation into non-truncating variants. (Herman D et al. Truncations of titin causing dilated cardiomyopathy. N Eng J Med 366:619-628, 2012) The variant is found in CARDIOMYOPATHY panel(s).